The following is an entry in ClinVar:

NM_004132.5(HABP2):c.*365A>G

Genes: HABP2 (hyaluronan binding protein 2; plus strand), NRAP (nebulin related anchoring protein; minus strand). Cytogenetic location: 10q25.3.
Variant type: single nucleotide variant.
Coding change: c.*365A>G on transcript NM_004132.5 (MANE Select); 365 bases downstream of the stop codon, A replaced by G.
Molecular consequence: 3 prime UTR variant.
Genome position (GRCh38, 1-based): chr10:113,588,734, A>G. VCF-style: chr10-113588734-A-G. GRCh37 (hg19) VCF-style: chr10-115348493-A-G.
Other names: c.*365A>G (NM_001177660.3); c.*241T>C (NM_001322945.2, NM_006175.5, NM_198060.4).
Identifiers: ClinVar variation 298926 (VCV000298926.5), dbSNP rs186172374, ClinGen allele CA10635012.

ClinVar aggregate classification (germline): Likely benign (1 of 4 stars; one submission).

Conditions:
Factor VII-activating protease marburg I. Identifiers: MedGen CN068943.

Allele frequency attached by ClinVar (database versions not stated): gnomAD exomes 0.00001; 1000 Genomes Project 0.00040.
gnomAD v4.1: 4 of 557,040 alleles (0.00072%); highest among the groups gnomAD compares: Admixed American, 0.013%; no homozygotes.

Submission:

Illumina Laboratory Services, Illumina
Classification: Likely benign for Factor VII Marburg I Variant Thrombophilia. Last evaluated: 2018-01-13. Review status: criteria provided, single submitter. Criteria: ICSL Variant Classification Criteria 13 December 2019. Collection method: clinical testing. Allele origin: germline.
Comment: This variant was observed in the ICSL laboratory as part of a predisposition screen in an ostensibly healthy population. It had not been previously curated by ICSL or reported in the Human Gene Mutation Database (HGMD: prior to June 1st, 2018), and was therefore a candidate for classification through an automated scoring system. Utilizing variant allele frequency, disease prevalence and penetrance estimates, and inheritance mode, an automated score was calculated to assess if this variant is too frequent to cause the disease. Based on the score and internal cut-off values, a variant classified as likely benign is not then subjected to further curation. The score for this variant resulted in a classification of likely benign for this disease.